The following is an entry in ClinVar:

ClinVar aggregate classification (germline): Pathogenic (1 of 4 stars; one submission).

Conditions:
Bethlem myopathy 1A. Also called: Bethlem myopathy 1; MYOPATHY, BENIGN CONGENITAL, WITH CONTRACTURES; Bethlem Muscular Dystrophy. Identifiers: Orphanet 610, MedGen CN029274, MONDO:0024530, OMIM 158810.

Submission:

Labcorp Genetics (formerly Invitae), Labcorp
Classification: Pathogenic for Bethlem myopathy 1A. Last evaluated: 2023-05-09. Review status: criteria provided, single submitter. Criteria: Invitae Variant Classification Sherloc (09022015). Collection method: clinical testing. Allele origin: germline.
Comment: This variant is not present in population databases (gnomAD no frequency). This sequence change affects a donor splice site in intron 12 of the COL6A1 gene. RNA analysis indicates that disruption of this splice site induces altered splicing and likely results in a shortened protein product. Disruption of this splice site has been observed in individual(s) with autosomal dominant Ullrich congenital muscular dystrophy (PMID: 15563506). In at least one individual the variant was observed to be de novo. For these reasons, this variant has been classified as Pathogenic. Studies have shown that disruption of this splice site results in skipping of exon 12, but is expected to preserve the integrity of the reading-frame (PMID: 15563506).

Literature cited by the submitters: PubMed 15563506.

NM_001848.3(COL6A1):c.957+1G>C

Gene: COL6A1 (collagen type VI alpha 1 chain; plus strand). Cytogenetic location: 21q22.3.
Variant type: single nucleotide variant.
Coding change: c.957+1G>C on transcript NM_001848.3 (MANE Select); the canonical splice donor site of the intron after coding-DNA position 957, G replaced by C.
Molecular consequence: splice donor variant.
Genome position (GRCh38, 1-based): chr21:45,990,285, G>C. VCF-style: chr21-45990285-G-C. GRCh37 (hg19) VCF-style: chr21-47410199-G-C.
Identifiers: ClinVar variation 2860400 (VCV002860400.3), dbSNP rs886044535, ClinGen allele CA410522545.
Genomic context (GRCh38, chr21:45,990,285, plus strand): 5'-ATACCCCCTCACACCCGCTTCCTGTCTCCGCAGGGCTCCAGGGGACCCAAGGGCTACAAG[G>C]TGAGCGTGGGCTGCTGGGAGGGGGGAGTTCTGCCCCCACGGCAGCATGTCTGACCTGCAT-3'